The following is an entry in ClinVar:

ClinVar aggregate classification (germline): Uncertain significance (1 of 4 stars; one submission).

Submission:

Clinical Genomics Laboratory, Laboratory for Precision Diagnostics, University of Washington
Classification: Uncertain significance. Last evaluated: 2022-05-31. Review status: criteria provided, single submitter. Criteria: ACMG/ClinGen CNV Guidelines, 2019. Collection method: clinical testing. Allele origin: unknown. Affected: yes. Observed: 1 variant allele.
Comment: The classification of this duplication is uncertain, per ACMGG interpretation standards. It affects protein-coding elements (Section 1, 0 points) but doesn't overlap any known dosage sensitive genes or regions (Section 2, 0 points). Seven protein-coding genes are affected by the duplication (Section 3, 0 points). A review of public databases (ClinVar, DECIPHER) and the medical literature shows no reports of people with similar duplications (Section 4, 0 points). No similar duplication appears in the Database of Genomic Variants (DGV) or gnomAD (Section 4O, 0 points). Parental testing has not been done (Section 5, 0 points).

GRCh38/hg38 2p15-14(chr2:63352829-64554479)x3

Genes: VPS54 (VPS54 subunit of GARP complex; minus strand), MDH1 (malate dehydrogenase 1; plus strand), MIR4433A (microRNA 4433a; plus strand), MIR4433B (microRNA 4433b; minus strand), PELI1 (pellino E3 ubiquitin protein ligase 1; minus strand) and 48 more. Cytogenetic location: 2p15-14.
Variant type: copy number gain.
Change: copy number 3 (three copies instead of two) of chr2:63,352,829-64,554,479 (1.20 Mb, GRCh38 coordinates, 1-based), cytogenetic band 2p15-14.
Identifiers: ClinVar variation 4852029 (VCV004852029.1).